The following is an entry in ClinVar:

NM_138694.4(PKHD1):c.881-27T>C

Gene: PKHD1 (PKHD1 ciliary IPT domain containing fibrocystin/polyductin; minus strand). Cytogenetic location: 6p12.2.
Variant type: single nucleotide variant.
Coding change: c.881-27T>C on transcript NM_138694.4 (MANE Select); 27 bases into the intron before coding-DNA position 881, T replaced by C.
Molecular consequence: intron variant.
Genome position (GRCh38, 1-based): chr6:52,065,077, A>G on the plus strand (T>C on the coding strand, the complement: PKHD1 is on the minus strand). VCF-style: chr6-52065077-A-G. GRCh37 (hg19) VCF-style: chr6-51929875-A-G.
Other names: p.?; c.881-27T>C (NM_170724.3).
Identifiers: ClinVar variation 4683195 (VCV004683195.1).
Genomic context (GRCh38, chr6:52,065,077, plus strand): 5'-CTGGGAGACACGTGTCTAATATCACATGGAATGCCTAAAGCGAATTAAAGAAATTTATGT[A>G]TGTGTGTGTGTGTAGGTATACATATATATGTATATGTGTGTGGGTATATGTATAATTATA-3'

ClinVar aggregate classification (germline): Likely benign (1 of 4 stars; one submission).

gnomAD v4.1: 36 of 1,151,848 alleles (0.0031%); highest among the groups gnomAD compares: African/African-American, 0.044%; no homozygotes.

Submission:

Mayo Clinic Laboratories, Mayo Clinic
Classification: Likely benign. Last evaluated: 2023-07-21. Review status: criteria provided, single submitter. Criteria: ACMG Guidelines, 2015. Collection method: clinical testing. Allele origin: germline. Observed: 1 variant allele.
Comment: PM2_moderate